The following is an entry in ClinVar:

NM_022437.3(ABCG8):c.716C>A (p.Pro239His)

Gene: ABCG8 (ATP binding cassette subfamily G member 8; plus strand). Cytogenetic location: 2p21.
Variant type: single nucleotide variant.
Coding change: c.716C>A on transcript NM_022437.3 (MANE Select); coding-DNA position 716, C replaced by A.
Protein change: p.Pro239His; replaces proline 239 with histidine.
Molecular consequence: missense variant.
Genome position (GRCh38, 1-based): chr2:43,852,620, C>A. VCF-style: chr2-43852620-C-A. GRCh37 (hg19) VCF-style: chr2-44079759-C-A.
Other names: c.716C>A, p.Pro239His (NM_001357321.2); short protein forms P239H.
Identifiers: ClinVar variation 4708961 (VCV004708961.1).

ClinVar aggregate classification (germline): Uncertain significance (1 of 4 stars; one submission).

Submission:

Labcorp Genetics (formerly Invitae), Labcorp
Classification: Uncertain significance. Last evaluated: 2026-01-19. Review status: criteria provided, single submitter. Criteria: Invitae Variant Classification Sherloc (09022015). Collection method: clinical testing. Allele origin: germline.
Comment: This sequence change replaces proline, which is neutral and non-polar, with histidine, which is basic and polar, at codon 239 of the ABCG8 protein (p.Pro239His). This variant is not present in population databases (gnomAD no frequency). This variant has not been reported in the literature in individuals affected with ABCG8-related conditions. Invitae Evidence Modeling of protein sequence and biophysical properties (such as structural, functional, and spatial information, amino acid conservation, physicochemical variation, residue mobility, and thermodynamic stability) indicates that this missense variant is expected to disrupt ABCG8 protein function with a positive predictive value of 80%. In summary, the available evidence is currently insufficient to determine the role of this variant in disease. Therefore, it has been classified as a Variant of Uncertain Significance.